The following is an entry in ClinVar:

NM_000535.7(PMS2):c.263_269del (p.His88fs)

Gene: PMS2 (PMS1 homolog 2, mismatch repair system component; minus strand). Cytogenetic location: 7p22.1.
Variant type: Deletion.
Coding change: c.263_269del on transcript NM_000535.7 (MANE Select); coding-DNA positions 263 to 269, 7 bases deleted (ACACATC; older notation c.263_269delACACATC).
Protein change: p.His88fs; shifts the reading frame from histidine 88.
Molecular consequence: frameshift variant. On other transcripts: 5 prime UTR variant (35), non-coding transcript variant (1), intron variant (11).
Genome position (GRCh38, 1-based): chr7:6,003,774-6,003,780, GATGTGT deleted on the plus strand (ACACATC on the coding strand, the reverse complement: PMS2 is on the minus strand); deleting any 7 consecutive bases within chr7:6,003,774-6,003,785 gives the same sequence; the c. name uses the placement nearest the transcript's 3' end. VCF-style (leftmost placement, unchanged base first): chr7-6003773-AGATGTGT-A. GRCh37 (hg19) VCF-style: chr7-6043404-AGATGTGT-A.
Other names: c.263_269delACACATC (NM_000535.5); c.-143_-137del (NM_001322003.2, NM_001322004.2, NM_001322005.2 and 13 more transcripts); c.263_269del, p.His88fs (NM_001322006.2, NM_001322014.2, NM_001406869.1 and 8 more transcripts); c.-622_-616del (NM_001322011.2, NM_001322012.2); c.-222_-216del (NM_001322015.2, NM_001406875.1, NM_001406877.1 and 3 more transcripts); c.449_455del, p.His150fs (NM_001406866.1); c.287_293del, p.His96fs (NM_001406868.1); c.-169_-163del (NM_001406880.1); and 6 more; short protein forms H150fs, H88fs, H96fs.
Identifiers: ClinVar variation 3935135 (VCV003935135.1).

ClinVar aggregate classification (germline): Pathogenic (1 of 4 stars; one submission).

Conditions:
Hereditary cancer-predisposing syndrome. Also called: Tumor predisposition; Hereditary neoplastic syndrome; Hereditary Cancer Syndrome; Neoplastic Syndromes, Hereditary. Identifiers: Orphanet 140162, MedGen C0027672, MeSH D009386, MONDO:0015356.

Submission:

Ambry Genetics
Classification: Pathogenic for Hereditary cancer-predisposing syndrome. Last evaluated: 2025-05-28. Review status: criteria provided, single submitter. Criteria: Ambry Variant Classification Scheme 2023. Collection method: clinical testing. Allele origin: germline.
Comment: The c.263_269delACACATC pathogenic mutation, located in coding exon 4 of the PMS2 gene, results from a deletion of 7 nucleotides at nucleotide positions 263 to 269, causing a translational frameshift with a predicted alternate stop codon (p.H88Lfs*9). This variant is considered to be rare based on population cohorts in the Genome Aggregation Database (gnomAD). This alteration is expected to result in loss of function by premature protein truncation or nonsense-mediated mRNA decay. As such, this alteration is interpreted as a disease-causing mutation.